The following is an entry in ClinVar:

ClinVar aggregate classification (germline): Uncertain significance (1 of 4 stars; one submission).

Submission:

Ambry Genetics
Classification: Uncertain significance. Last evaluated: 2022-12-25. Review status: criteria provided, single submitter. Criteria: Ambry Variant Classification Scheme 2023. Collection method: clinical testing. Allele origin: germline.
Comment: The p.H927R variant (also known as c.2780A>G), located in coding exon 1 of the MLH3 gene, results from an A to G substitution at nucleotide position 2780. The histidine at codon 927 is replaced by arginine, an amino acid with highly similar properties. This amino acid position is conserved. In addition, this alteration is predicted to be tolerated by in silico analysis. Since supporting evidence is limited at this time, the clinical significance of this alteration remains unclear.

NM_001040108.2(MLH3):c.2780A>G (p.His927Arg)

Gene: MLH3 (mutL homolog 3; minus strand). Cytogenetic location: 14q24.3.
Variant type: single nucleotide variant.
Coding change: c.2780A>G on transcript NM_001040108.2 (MANE Select); coding-DNA position 2780, A replaced by G.
Protein change: p.His927Arg; replaces histidine 927 with arginine.
Molecular consequence: missense variant.
Genome position (GRCh38, 1-based): chr14:75,046,876, T>C on the plus strand (A>G on the coding strand, the complement: MLH3 is on the minus strand). VCF-style: chr14-75046876-T-C. GRCh37 (hg19) VCF-style: chr14-75513579-T-C.
Other names: c.2780A>G, p.His927Arg (NM_014381.3); short protein forms H927R.
Identifiers: ClinVar variation 2448637 (VCV002448637.2), dbSNP rs2503261190, ClinGen allele CA390438548.